The following is an entry in ClinVar:

NM_000093.5(COL5A1):c.19T>C (p.Trp7Arg)

Gene: COL5A1 (collagen type V alpha 1 chain; plus strand). Cytogenetic location: 9q34.3.
Variant type: single nucleotide variant.
Coding change: c.19T>C on transcript NM_000093.5 (MANE Select); coding-DNA position 19, T replaced by C.
Protein change: p.Trp7Arg; replaces tryptophan 7 with arginine.
Molecular consequence: missense variant.
Genome position (GRCh38, 1-based): chr9:134,642,206, T>C. VCF-style: chr9-134642206-T-C. GRCh37 (hg19) VCF-style: chr9-137534052-T-C.
Other names: c.19T>C, p.Trp7Arg (NM_001278074.1); short protein forms W7R.
Identifiers: ClinVar variation 2625450 (VCV002625450.2), dbSNP rs1317496381, ClinGen allele CA375443793.

ClinVar aggregate classification (germline): Uncertain significance (1 of 4 stars; one submission).

Conditions:
Familial thoracic aortic aneurysm and aortic dissection (TAAD). Also called: Thoracic aortic aneurysms and dissections. Identifiers: Orphanet 91387, MedGen C4707243, MONDO:0019625.

Allele frequency attached by ClinVar (database versions not stated): gnomAD exomes below 0.00001; TOPMed below 0.00001; gnomAD 0.00001.
gnomAD v4.1: 5 of 1,304,352 alleles (0.00038%); highest among the groups gnomAD compares: Non-Finnish European, 0.00049%; no homozygotes.

Submission:

Ambry Genetics
Classification: Uncertain significance for Familial thoracic aortic aneurysm and aortic dissection. Last evaluated: 2023-07-20. Review status: criteria provided, single submitter. Criteria: Ambry Variant Classification Scheme 2023. Collection method: clinical testing. Allele origin: germline.
Comment: The p.W7R variant (also known as c.19T>C), located in coding exon 1 of the COL5A1 gene, results from a T to C substitution at nucleotide position 19. The tryptophan at codon 7 is replaced by arginine, an amino acid with dissimilar properties. This amino acid position is highly conserved in available vertebrate species. In addition, the in silico prediction for this alteration is inconclusive. Since supporting evidence is limited at this time, the clinical significance of this alteration remains unclear.